The following is an entry in ClinVar:

ClinVar aggregate classification (germline): Uncertain significance (1 of 4 stars; one submission).

gnomAD v4.1: 5 of 1,614,002 alleles (0.00031%); highest among the groups gnomAD compares: Non-Finnish European, 0.00034%; no homozygotes.

Submission:

Labcorp Genetics (formerly Invitae), Labcorp
Classification: Uncertain significance. Last evaluated: 2025-12-23. Review status: criteria provided, single submitter. Criteria: Invitae Variant Classification Sherloc (09022015). Collection method: clinical testing. Allele origin: germline.
Comment: This sequence change replaces serine, which is neutral and polar, with tyrosine, which is neutral and polar, at codon 2224 of the SRCAP protein (p.Ser2224Tyr). This variant is present in population databases (no rsID available, gnomAD 0.004%). This variant has not been reported in the literature in individuals affected with SRCAP-related conditions. Invitae Evidence Modeling of protein sequence and biophysical properties (such as structural, functional, and spatial information, amino acid conservation, physicochemical variation, residue mobility, and thermodynamic stability) indicates that this missense variant is not expected to disrupt SRCAP protein function with a negative predictive value of 80%. In summary, the available evidence is currently insufficient to determine the role of this variant in disease. Therefore, it has been classified as a Variant of Uncertain Significance.

NM_006662.3(SRCAP):c.6671C>A (p.Ser2224Tyr)

Gene: SRCAP (Snf2 related CREBBP activator protein; plus strand). Cytogenetic location: 16p11.2.
Variant type: single nucleotide variant.
Coding change: c.6671C>A on transcript NM_006662.3 (MANE Select); coding-DNA position 6671, C replaced by A.
Protein change: p.Ser2224Tyr; replaces serine 2224 with tyrosine.
Molecular consequence: missense variant.
Genome position (GRCh38, 1-based): chr16:30,734,557, C>A. VCF-style: chr16-30734557-C-A. GRCh37 (hg19) VCF-style: chr16-30745878-C-A.
Other names: short protein forms S2224Y.
Identifiers: ClinVar variation 4743503 (VCV004743503.1).
Genomic context (GRCh38, chr16:30,734,557, plus strand): 5'-AGACCATCCGAGAGCTGTTTGATATGCCCCTGGAGGAACCTTCTAGCTCATCCGTGCCCT[C>A]TGCCCCTGAAGAGGAGGAAGAGACTGTGGCCAGCAAGCAGACTCATATTCTGGAGCAGGT-3'
Protein context (NP_006653.2, residues 2214-2234): LEEPSSSSVP[Ser2224Tyr]APEEEEETVA